The following is an entry in ClinVar:

NM_001035.3(RYR2):c.3116A>G (p.Asp1039Gly)

Gene: RYR2 (ryanodine receptor 2; plus strand). Cytogenetic location: 1q43.
Variant type: single nucleotide variant.
Coding change: c.3116A>G on transcript NM_001035.3 (MANE Select); coding-DNA position 3116, A replaced by G.
Protein change: p.Asp1039Gly; replaces aspartic acid 1039 with glycine.
Molecular consequence: missense variant.
Genome position (GRCh38, 1-based): chr1:237,550,593, A>G. VCF-style: chr1-237550593-A-G. GRCh37 (hg19) VCF-style: chr1-237713893-A-G.
Other names: c.3116A>G (NM_001035.2); short protein forms D1039G.
Identifiers: ClinVar variation 2182543 (VCV002182543.6), dbSNP rs770492374, ClinGen allele CA071106.
Genomic context (GRCh38, chr1:237,550,593, plus strand): 5'-TTTTCCTGCAGGACGTAAAGAACAGAAGAAATCCTCGCCTTGTTCCCTACACTCTTCTGG[A>G]TGACCGAACCAAGAAATCCAACAAGGACAGCCTCCGCGAGGCTGTGCGCACGCTGCTGGG-3'
Protein context (NP_001026.2, residues 1029-1049): NPRLVPYTLL[Asp1039Gly]DRTKKSNKDS

ClinVar aggregate classification (germline): Uncertain significance. Review status: criteria provided, multiple submitters, no conflicts (2 of 4 stars). 4 submissions from 4 submitters: Uncertain significance (4). Last evaluated 2024-07-10.

Conditions:
Cardiomyopathy (CMYO). Also called: Cardiomyopathies. Identifiers: Orphanet 167848, MedGen C0878544, MONDO:0004994, HP:0001638. Inheritance: Various modes of inheritance.
Catecholaminergic polymorphic ventricular tachycardia 1. Also called: VENTRICULAR TACHYCARDIA, STRESS-INDUCED POLYMORPHIC 1; VENTRICULAR TACHYCARDIA, CATECHOLAMINERGIC POLYMORPHIC, 1, WITH OR WITHOUT ATRIAL DYSFUNCTION AND/OR DILATED CARDIOMYOPATHY; RYR2-Related Catecholaminergic Polymorphic Ventricular Tachycardia. Identifiers: Orphanet 3286, MedGen C1631597, MONDO:0011484, OMIM 604772.
Cardiovascular phenotype. Identifiers: MedGen CN230736.
Catecholaminergic polymorphic ventricular tachycardia (CVPT). Also called: Catecholamine-induced polymorphic ventricular tachycardia. Identifiers: Orphanet 3286, MedGen C5574922, MONDO:0017990.

Submissions (4):

All of Us Research Program, National Institutes of Health
Classification: Uncertain significance for Catecholaminergic polymorphic ventricular tachycardia. Last evaluated: 2024-07-10. Review status: criteria provided, single submitter. Criteria: ACMG Guidelines, 2015. Collection method: clinical testing. Allele origin: germline. Inheritance: Autosomal dominant inheritance. Observed: 1 variant allele, 1 heterozygote.
Comment: This missense variant replaces aspartic acid with glycine at codon 1039 of the RYR2 protein. Computational prediction suggests that this variant may have deleterious impact on protein structure and function (internally defined REVEL score threshold >= 0.7, PMID: 27666373). To our knowledge, functional studies have not been reported for this variant. This variant has not been reported in individuals affected with RYR2-related disorders in the literature. This variant has not been identified in the general population by the Genome Aggregation Database (gnomAD). The available evidence is insufficient to determine the role of this variant in disease conclusively. Therefore, this variant is classified as a Variant of Uncertain Significance.

This study involves interpretation of variants in research participants for the purpose of population health screening. Participant phenotype was not available at the time of variant classification. Additional details can be found in publication PMID: 35346344, PMCID: PMC8962531

Color Diagnostics, LLC DBA Color Health
Classification: Uncertain significance for Cardiomyopathy. Last evaluated: 2024-06-11. Review status: criteria provided, single submitter. Criteria: ACMG Guidelines, 2015. Collection method: clinical testing. Allele origin: germline.
Comment: This missense variant replaces aspartic acid with glycine at codon 1039 of the RYR2 protein. Computational prediction suggests that this variant may have deleterious impact on protein structure and function. To our knowledge, functional studies have not been reported for this variant. This variant has not been reported in individuals affected with RYR2-related disorders in the literature. This variant has not been identified in the general population by the Genome Aggregation Database (gnomAD). The available evidence is insufficient to determine the role of this variant in disease conclusively. Therefore, this variant is classified as a Variant of Uncertain Significance.

Ambry Genetics
Classification: Uncertain significance for Cardiovascular phenotype. Last evaluated: 2022-06-30. Review status: criteria provided, single submitter. Criteria: Ambry Variant Classification Scheme 2023. Collection method: clinical testing. Allele origin: germline.
Comment: The c.3116A>G (p.D1039G) alteration is located in exon 27 (coding exon 27) of the RYR2 gene. This alteration results from an A to G substitution at nucleotide position 3116, causing the aspartic acid (D) at amino acid position 1039 to be replaced by a glycine (G). This variant was not reported in population-based cohorts in the Genome Aggregation Database (gnomAD). This amino acid position is highly conserved in available vertebrate species. This alteration is predicted to be deleterious by in silico analysis. Based on insufficient or conflicting evidence, the clinical significance of this alteration remains unclear.

Labcorp Genetics (formerly Invitae), Labcorp
Classification: Uncertain significance for Catecholaminergic polymorphic ventricular tachycardia 1. Last evaluated: 2022-04-11. Review status: criteria provided, single submitter. Criteria: Invitae Variant Classification Sherloc (09022015). Collection method: clinical testing. Allele origin: germline.
Comment: In summary, the available evidence is currently insufficient to determine the role of this variant in disease. Therefore, it has been classified as a Variant of Uncertain Significance. This sequence change replaces aspartic acid, which is acidic and polar, with glycine, which is neutral and non-polar, at codon 1039 of the RYR2 protein (p.Asp1039Gly). This variant is not present in population databases (gnomAD no frequency). This variant has not been reported in the literature in individuals affected with RYR2-related conditions. Advanced modeling of protein sequence and biophysical properties (such as structural, functional, and spatial information, amino acid conservation, physicochemical variation, residue mobility, and thermodynamic stability) performed at Invitae indicates that this missense variant is expected to disrupt RYR2 protein function.